The following is an entry in ClinVar:

ClinVar aggregate classification (germline): Uncertain significance. Review status: criteria provided, multiple submitters, no conflicts (2 of 4 stars). 3 submissions from 3 submitters: Uncertain significance (3). Last evaluated 2022-04-19.

Allele frequency attached by ClinVar (database versions not stated): gnomAD exomes 0.00004 and 0.00008; ExAC 0.00009; ESP Exome Variant Server 0.00023; gnomAD 0.00026 and 0.00028; TOPMed 0.00038; 1000 Genomes Project 0.00060; 1000 Genomes Project 30x 0.00109.
gnomAD v4.1: 96 of 1,613,730 alleles (0.0059%); highest among the groups gnomAD compares: African/African-American, 0.12%; no homozygotes.

Submissions (3):

Labcorp Genetics (formerly Invitae), Labcorp
Classification: Uncertain significance. Last evaluated: 2022-04-19. Review status: criteria provided, single submitter. Criteria: Invitae Variant Classification Sherloc (09022015). Collection method: clinical testing. Allele origin: germline.
Comment: This sequence change replaces isoleucine, which is neutral and non-polar, with leucine, which is neutral and non-polar, at codon 126 of the CENPJ protein (p.Ile126Leu). This variant is present in population databases (rs146704811, gnomAD 0.1%). This variant has not been reported in the literature in individuals affected with CENPJ-related conditions. ClinVar contains an entry for this variant (Variation ID: 287123). Algorithms developed to predict the effect of missense changes on protein structure and function (SIFT, PolyPhen-2, Align-GVGD) all suggest that this variant is likely to be tolerated. In summary, the available evidence is currently insufficient to determine the role of this variant in disease. Therefore, it has been classified as a Variant of Uncertain Significance.

Athena Diagnostics
Classification: Uncertain significance. Last evaluated: 2018-08-08. Review status: criteria provided, single submitter. Criteria: Athena Diagnostics Criteria. Collection method: clinical testing. Allele origin: germline.

Eurofins Ntd Llc (ga)
Classification: Uncertain significance. Last evaluated: 2016-05-10. Review status: criteria provided, single submitter. Criteria: EGL Classification Definitions 2015. Collection method: clinical testing. Allele origin: germline. Observed: 1 variant allele, 1 heterozygote.

NM_018451.5(CPAP):c.376A>C (p.Ile126Leu)

Gene: CPAP (centrosome assembly and centriole elongation protein; minus strand). Cytogenetic location: 13q12.13.
Variant type: single nucleotide variant.
Coding change: c.376A>C on transcript NM_018451.5 (MANE Select); coding-DNA position 376, A replaced by C.
Protein change: p.Ile126Leu; replaces isoleucine 126 with leucine.
Molecular consequence: missense variant. On other transcripts: non-coding transcript variant (2).
Genome position (GRCh38, 1-based): chr13:24,912,650, T>G on the plus strand (A>C on the coding strand, the complement: CPAP is on the minus strand). VCF-style: chr13-24912650-T-G. GRCh37 (hg19) VCF-style: chr13-25486788-T-G.
Other names: short protein forms I126L.
Identifiers: ClinVar variation 287123 (VCV000287123.9), dbSNP rs146704811, ClinGen allele CA6920034.